The following is an entry in ClinVar:

NM_015338.6(ASXL1):c.1353T>A (p.Asp451Glu)

Gene: ASXL1 (ASXL transcriptional regulator 1; plus strand). Cytogenetic location: 20q11.21.
Variant type: single nucleotide variant.
Coding change: c.1353T>A on transcript NM_015338.6 (MANE Select); coding-DNA position 1353, T replaced by A.
Protein change: p.Asp451Glu; replaces aspartic acid 451 with glutamic acid.
Molecular consequence: missense variant.
Genome position (GRCh38, 1-based): chr20:32,433,551, T>A. VCF-style: chr20-32433551-T-A. GRCh37 (hg19) VCF-style: chr20-31021354-T-A.
Other names: c.1170T>A, p.Asp390Glu (NM_001363734.1); short protein forms D390E, D451E.
Identifiers: ClinVar variation 3793889 (VCV003793889.1).
Genomic context (GRCh38, chr20:32,433,551, plus strand): 5'-ACAAGCAGGGGTTGCTAAGGATGCAAAATCTGTGGCCTCAGATGTTCCCCTCTACAAGGA[T>A]GGGGAGGCTAAGACTGACCCAGCAGGGCTGAGCAGTCCCCATCTGCCAGGCACATCCTCT-3'
Protein context (NP_056153.2, residues 441-461): SVASDVPLYK[Asp451Glu]GEAKTDPAGL

ClinVar aggregate classification (germline): Uncertain significance (1 of 4 stars; one submission).

Conditions:
Inborn genetic diseases. Identifiers: MedGen C0950123, MeSH D030342.

gnomAD v4.1: 5 of 1,614,088 alleles (0.00031%); highest among the groups gnomAD compares: Non-Finnish European, 0.00042%; no homozygotes.

Submission:

Ambry Genetics
Classification: Uncertain significance for Inborn genetic diseases. Last evaluated: 2025-03-01. Review status: criteria provided, single submitter. Criteria: Ambry Variant Classification Scheme 2023. Collection method: clinical testing. Allele origin: germline.
Comment: The p.D451E variant (also known as c.1353T>A), located in coding exon 12 of the ASXL1 gene, results from a T to A substitution at nucleotide position 1353. The aspartic acid at codon 451 is replaced by glutamic acid, an amino acid with highly similar properties. This amino acid position is conserved. In addition, this alteration is predicted to be tolerated by in silico analysis. Based on the available evidence, the clinical significance of this variant remains unclear.